The following is an entry in ClinVar:

NM_001365068.1(ASTN2):c.2030C>T (p.Ser677Leu)

Gene: ASTN2 (astrotactin 2; minus strand). Cytogenetic location: 9q33.1.
Variant type: single nucleotide variant.
Coding change: c.2030C>T on transcript NM_001365068.1 (MANE Select); coding-DNA position 2030, C replaced by T.
Protein change: p.Ser677Leu; replaces serine 677 with leucine.
Molecular consequence: missense variant.
Genome position (GRCh38, 1-based): chr9:116,863,593, G>A on the plus strand (C>T on the coding strand, the complement: ASTN2 is on the minus strand). VCF-style: chr9-116863593-G-A. GRCh37 (hg19) VCF-style: chr9-119625872-G-A.
Other names: c.2018C>T, p.Ser673Leu (NM_001365069.1); c.1877C>T, p.Ser626Leu (NM_014010.5); short protein forms S626L, S677L, S673L.
Identifiers: ClinVar variation 719183 (VCV000719183.9), dbSNP rs56153291, ClinGen allele CA5211493.
Genomic context (GRCh38, chr9:116,863,593, plus strand): 5'-GGCCTTAGCCCCTGGGCCACTGCCATGTTCCCGGGCCAATGGGCACTTACCACACATCCC[G>A]AGGAATCCACCTGCCGGTCAGACACACACTTGAAGTTGCGAGTGCAGCCCCCATTGTTCC-3'
Protein context (NP_001351997.1, residues 667-687): KCVSDRQVDS[Ser677Leu]GCVCPEELKP

ClinVar aggregate classification (germline): Likely benign. Review status: criteria provided, multiple submitters, no conflicts (2 of 4 stars). 2 submissions from 2 submitters: Likely benign (2). Last evaluated 2025-12-01.

Allele frequency attached by ClinVar (database versions not stated): gnomAD 0.00129 and 0.00141; TOPMed 0.00131; ESP Exome Variant Server 0.00138; gnomAD exomes 0.00167 and 0.00195; ExAC 0.00187; 1000 Genomes Project 30x 0.00265; 1000 Genomes Project 0.00300.
gnomAD v4.1: 3,058 of 1,614,068 alleles (0.19%); highest among the groups gnomAD compares: South Asian, 0.47%; 6 homozygotes.

Submissions (2):

CeGaT Center for Human Genetics Tuebingen
Classification: Likely benign. Last evaluated: 2025-12-01. Review status: criteria provided, single submitter. Criteria: CeGaT Center For Human Genetics Tuebingen Variant Classification Criteria Version 2. Collection method: clinical testing. Allele origin: germline. Affected: yes. Observed: 2 variant alleles.
Comment: ASTN2: BP4, BS2

Labcorp Genetics (formerly Invitae), Labcorp
Classification: Likely benign. Last evaluated: 2019-01-03. Review status: criteria provided, single submitter. Criteria: Invitae Variant Classification Sherloc (09022015). Collection method: clinical testing. Allele origin: germline.